The following is an entry in ClinVar:

NM_000057.4(BLM):c.2572A>G (p.Asn858Asp)

Gene: BLM (BLM RecQ like helicase; plus strand). Cytogenetic location: 15q26.1.
Variant type: single nucleotide variant.
Coding change: c.2572A>G on transcript NM_000057.4 (MANE Select); coding-DNA position 2572, A replaced by G.
Protein change: p.Asn858Asp; replaces asparagine 858 with aspartic acid.
Molecular consequence: missense variant.
Genome position (GRCh38, 1-based): chr15:90,782,838, A>G. VCF-style: chr15-90782838-A-G. GRCh37 (hg19) VCF-style: chr15-91326068-A-G.
Other names: c.2572A>G (NM_000057.2); c.2572A>G, p.Asn858Asp (NM_001287246.2, NM_001287247.2); c.1447A>G, p.Asn483Asp (NM_001287248.2); short protein forms N858D, N483D.
Identifiers: ClinVar variation 454109 (VCV000454109.14), dbSNP rs1555422355, ClinGen allele CA393845618.
Genomic context (GRCh38, chr15:90,782,838, plus strand): 5'-TATTTTCTCATAATAACTAAATTTTATGTTTGGGACTTTTTTAGGTTTAGCATGAGCTTT[A>G]ACAGACATAATCTGAAATACTATGTATTACCGAAAAAGCCTAAAAAGGTGGCATTTGATT-3'
Protein context (NP_000048.1, residues 848-868): LRPQVFSMSF[Asn858Asp]RHNLKYYVLP

ClinVar aggregate classification (germline): Uncertain significance. Review status: criteria provided, multiple submitters, no conflicts (2 of 4 stars). 4 submissions from 4 submitters: Uncertain significance (3). 1 of the submissions does not count toward it. Last evaluated 2026-07-06.

Conditions:
Hereditary cancer-predisposing syndrome. Also called: Neoplastic Syndromes, Hereditary; Hereditary neoplastic syndrome; Hereditary Cancer Syndrome; Tumor predisposition. Identifiers: Orphanet 140162, MedGen C0027672, MeSH D009386, MONDO:0015356.
Bloom syndrome (BLM). Also called: Bloom-Torre-Machacek syndrome. Identifiers: Orphanet 125, MedGen C0005859, MONDO:0008876, OMIM 210900.

Submissions (4):

Ambry Genetics
Classification: Uncertain significance for Hereditary cancer-predisposing syndrome. Last evaluated: 2026-07-06. Review status: criteria provided, single submitter. Criteria: Ambry Variant Classification Scheme 2023. Collection method: clinical testing. Allele origin: germline.
Comment: The p.N858D variant (also known as c.2572A>G), located in coding exon 12 of the BLM gene, results from an A to G substitution at nucleotide position 2572. The asparagine at codon 858 is replaced by aspartic acid, an amino acid with highly similar properties. This amino acid position is conserved. In addition, this alteration is predicted to be tolerated by in silico analysis. Based on the available evidence, the clinical significance of this variant remains unclear.

GeneDx
Classification: Uncertain significance. Last evaluated: 2023-06-29. Review status: criteria provided, single submitter. Criteria: GeneDx Variant Classification Process June 2021. Collection method: clinical testing. Allele origin: germline. Affected: yes.
Comment: Not observed at significant frequency in large population cohorts (gnomAD); In silico analysis supports that this missense variant has a deleterious effect on protein structure/function; Has not been previously published as pathogenic or benign to our knowledge

Labcorp Genetics (formerly Invitae), Labcorp
Classification: Uncertain significance for Bloom syndrome. Last evaluated: 2017-04-12. Review status: criteria provided, single submitter. Criteria: Invitae Variant Classification Sherloc (09022015). Collection method: clinical testing. Allele origin: germline.
Comment: In summary, this variant is a novel missense change with uncertain impact on protein function. It has been classified as a Variant of Uncertain Significance. Algorithms developed to predict the effect of missense changes on protein structure and function do not agree on the potential impact of this missense change (SIFT: "Tolerated"; PolyPhen-2: "Probably Damaging"; Align-GVGD: "Class C0"). This variant is not present in population databases (ExAC no frequency) and has not been reported in the literature in individuals with a BLM-related disease. This sequence change replaces asparagine with aspartic acid at codon 858 of the BLM protein (p.Asn858Asp). The asparagine residue is highly conserved and there is a small physicochemical difference between asparagine and aspartic acid.

Natera, Inc.
Classification: Uncertain significance for Bloom syndrome. Last evaluated: 2020-08-07. Review status: no assertion criteria provided. Collection method: clinical testing. Allele origin: germline. Not counted in ClinVar's aggregate classification.